The following is an entry in ClinVar:

NM_001080.3(ALDH5A1):c.1480G>A (p.Glu494Lys)

Gene: ALDH5A1 (aldehyde dehydrogenase 5 family member A1; plus strand). Cytogenetic location: 6p22.3.
Variant type: single nucleotide variant.
Coding change: c.1480G>A on transcript NM_001080.3 (MANE Select); coding-DNA position 1480, G replaced by A.
Protein change: p.Glu494Lys; replaces glutamic acid 494 with lysine.
Molecular consequence: missense variant.
Genome position (GRCh38, 1-based): chr6:24,533,584, G>A. VCF-style: chr6-24533584-G-A. GRCh37 (hg19) VCF-style: chr6-24533812-G-A.
Other names: c.1336G>A, p.Glu446Lys (NM_001368954.1); c.1519G>A, p.Glu507Lys (NM_170740.1); short protein forms E507K, E494K, E446K.
Identifiers: ClinVar variation 529480 (VCV000529480.14), dbSNP rs374232934, ClinGen allele CA3656960.
Genomic context (GRCh38, chr6:24,533,584, plus strand): 5'-GACCCAGCCCAGATCTGGAGAGTGGCAGAGCAGCTGGAAGTGGGCATGGTTGGCGTCAAC[G>A]AAGGATTAATTTCCTCTGTGGAGTGCCCTTTTGGTGGAGTGAAGCAGTCCGGCCTTGGGC-3'
Protein context (NP_001071.1, residues 484-504): QLEVGMVGVN[Glu494Lys]GLISSVECPF

ClinVar aggregate classification (germline): Uncertain significance. Review status: criteria provided, multiple submitters, no conflicts (2 of 4 stars). 6 submissions from 6 submitters: Uncertain significance (6). Last evaluated 2024-10-22.

Conditions:
Succinate-semialdehyde dehydrogenase deficiency (SSADHD). Also called: SSADH DEFICIENCY; GABA METABOLIC DEFECT; Succinic Semialdehyde Dehydrogenase Deficiency; 4-HYDROXYBUTYRIC ACIDURIA. Identifiers: Orphanet 22, MedGen C0268631, MONDO:0010083, OMIM 271980.

Allele frequency attached by ClinVar (database versions not stated): gnomAD 0.00003; gnomAD exomes 0.00003 and 0.00008; TOPMed 0.00003; ExAC 0.00007; ESP Exome Variant Server 0.00008.
gnomAD v4.1: 53 of 1,614,048 alleles (0.0033%); highest among the groups gnomAD compares: East Asian, 0.027%; no homozygotes.

Submissions (6):

Labcorp Genetics (formerly Invitae), Labcorp
Classification: Uncertain significance for Succinate-semialdehyde dehydrogenase deficiency. Last evaluated: 2024-10-22. Review status: criteria provided, single submitter. Criteria: Invitae Variant Classification Sherloc (09022015). Collection method: clinical testing. Allele origin: germline.
Comment: This sequence change replaces glutamic acid, which is acidic and polar, with lysine, which is basic and polar, at codon 494 of the ALDH5A1 protein (p.Glu494Lys). This variant is present in population databases (rs374232934, gnomAD 0.04%). This missense change has been observed in individual(s) with clinical features of ALDH5A1-related conditions (PMID: 28191889). ClinVar contains an entry for this variant (Variation ID: 529480). Invitae Evidence Modeling of protein sequence and biophysical properties (such as structural, functional, and spatial information, amino acid conservation, physicochemical variation, residue mobility, and thermodynamic stability) indicates that this missense variant is not expected to disrupt ALDH5A1 protein function with a negative predictive value of 80%. In summary, the available evidence is currently insufficient to determine the role of this variant in disease. Therefore, it has been classified as a Variant of Uncertain Significance.

Revvity Omics, Revvity
Classification: Uncertain significance for Succinate-semialdehyde dehydrogenase deficiency. Last evaluated: 2024-09-22. Review status: criteria provided, single submitter. Criteria: ACMG Guidelines, 2015. Collection method: clinical testing. Allele origin: germline.

Laboratory of Metabolic Disorders, Peking University First Hospital
Classification: Uncertain significance for Succinate-semialdehyde dehydrogenase deficiency. Last evaluated: 2023-06-24. Review status: criteria provided, single submitter. Criteria: ACMG Guidelines, 2015. Collection method: clinical testing. Allele origin: inherited. Affected: yes.

Department of Pathology and Laboratory Medicine, Sinai Health System
Classification: Uncertain significance for succinic semialdehyde dehydrogenase deficiency. Last evaluated: 2022-10-17. Review status: criteria provided, single submitter. Criteria: ACMG Guidelines, 2015. Collection method: research. Allele origin: germline.

Fulgent Genetics
Classification: Uncertain significance for Succinate-semialdehyde dehydrogenase deficiency. Last evaluated: 2022-01-26. Review status: criteria provided, single submitter. Criteria: ACMG Guidelines, 2015. Collection method: clinical testing. Allele origin: unknown.

Juno Genomics, Hangzhou Juno Genomics, Inc
Classification: Uncertain significance for Succinate-semialdehyde dehydrogenase deficiency. Review status: criteria provided, single submitter. Criteria: ACMG Guidelines, 2015. Collection method: clinical testing. Allele origin: germline.
Comment: Absent from controls (or at extremely low frequency if recessive) in Genome Aggregation Database.;Multiple lines of computational evidence support a deleterious effect on the gene or gene product.

Literature cited by the submitters: PubMed 28191889 (cited by Labcorp Genetics (formerly Invitae), Labcorp).